The following is an entry in ClinVar:

NM_002458.3(MUC5B):c.4005C>T (p.Arg1335=)

Gene: MUC5B (mucin 5B, oligomeric mucus/gel-forming; plus strand). Cytogenetic location: 11p15.5.
Variant type: single nucleotide variant.
Coding change: c.4005C>T on transcript NM_002458.3 (MANE Select); coding-DNA position 4005, C replaced by T.
Protein change: p.Arg1335=; no amino-acid change (arginine 1335 retained).
Molecular consequence: synonymous variant.
Genome position (GRCh38, 1-based): chr11:1,240,885, C>T. VCF-style: chr11-1240885-C-T. GRCh37 (hg19) VCF-style: chr11-1262115-C-T.
Identifiers: ClinVar variation 2641195 (VCV002641195.24), dbSNP rs750257026, ClinGen allele CA5805318.

ClinVar aggregate classification (germline): Likely benign (1 of 4 stars; one submission).

Allele frequency attached by ClinVar (database versions not stated): gnomAD exomes 0.00011; TOPMed 0.00013; gnomAD 0.00017; ExAC 0.00019.
gnomAD v4.1: 188 of 1,611,962 alleles (0.012%); highest among the groups gnomAD compares: Middle Eastern, 0.11%; 1 homozygote.

Submission:

CeGaT Center for Human Genetics Tuebingen
Classification: Likely benign. Last evaluated: 2022-10-01. Review status: criteria provided, single submitter. Criteria: CeGaT Center For Human Genetics Tuebingen Variant Classification Criteria Version 2. Collection method: clinical testing. Allele origin: germline. Affected: yes. Observed: 1 variant allele.
Comment: MUC5B: BP4, BP7